The following is an entry in ClinVar:

ClinVar aggregate classification (germline): Uncertain significance. Review status: criteria provided, multiple submitters, no conflicts (2 of 4 stars). 2 submissions from 2 submitters: Uncertain significance (2). Last evaluated 2023-11-21.

Conditions:
Muscular dystrophy-dystroglycanopathy (congenital with brain and eye anomalies), type a, 8 (MDDGA8). Also called: WALKER-WARBURG SYNDROME OR MUSCLE-EYE-BRAIN DISEASE, GTDC2-RELATED. Identifiers: Orphanet 899, MedGen C3553813, MONDO:0013904, OMIM 614830.

Allele frequency attached by ClinVar (database versions not stated): gnomAD exomes 0.00007 and 0.00005; ExAC 0.00010; gnomAD 0.00010 and 0.00011; TOPMed 0.00004.
gnomAD v4.1: 78 of 1,608,866 alleles (0.0048%); highest among the groups gnomAD compares: African/African-American, 0.0067%; no homozygotes.

Submissions (2):

Revvity Omics, Revvity
Classification: Uncertain significance. Last evaluated: 2023-11-21. Review status: criteria provided, single submitter. Criteria: ACMG Guidelines, 2015. Collection method: clinical testing. Allele origin: germline.

Labcorp Genetics (formerly Invitae), Labcorp
Classification: Uncertain significance for Muscular dystrophy-dystroglycanopathy (congenital with brain and eye anomalies), type a, 8. Last evaluated: 2021-09-24. Review status: criteria provided, single submitter. Criteria: Invitae Variant Classification Sherloc (09022015). Collection method: clinical testing. Allele origin: germline.
Comment: This sequence change replaces arginine with cysteine at codon 26 of the POMGNT2 protein (p.Arg26Cys). The arginine residue is highly conserved and there is a large physicochemical difference between arginine and cysteine. The frequency data for this variant in the population databases is considered unreliable, as metrics indicate poor data quality at this position in the ExAC database. This variant has not been reported in the literature in individuals with POMGNT2-related conditions. Algorithms developed to predict the effect of missense changes on protein structure and function are either unavailable or do not agree on the potential impact of this missense change (SIFT: "Deleterious"; PolyPhen-2: "Benign"; Align-GVGD: "Class C0"). In summary, the available evidence is currently insufficient to determine the role of this variant in disease. Therefore, it has been classified as a Variant of Uncertain Significance.

NM_032806.6(POMGNT2):c.76C>T (p.Arg26Cys)

Gene: POMGNT2 (protein O-linked mannose N-acetylglucosaminyltransferase 2 (beta 1,4-); minus strand). Cytogenetic location: 3p22.1.
Variant type: single nucleotide variant.
Coding change: c.76C>T on transcript NM_032806.6 (MANE Select); coding-DNA position 76, C replaced by T.
Protein change: p.Arg26Cys; replaces arginine 26 with cysteine.
Molecular consequence: missense variant.
Genome position (GRCh38, 1-based): chr3:43,081,356, G>A on the plus strand (C>T on the coding strand, the complement: POMGNT2 is on the minus strand). VCF-style: chr3-43081356-G-A. GRCh37 (hg19) VCF-style: chr3-43122848-G-A.
Other names: c.76C>T (NM_032806.5); short protein forms R26C.
Identifiers: ClinVar variation 1464959 (VCV001464959.7), dbSNP rs755067791, ClinGen allele CA2340161.
Genomic context (GRCh38, chr3:43,081,356, plus strand): 5'-CTGGCTCTGTGGCCTGTCGGCTGAGGGCCAGCTCCTCCTCCAGTGTGGCTGCATGCTCAC[G>A]CAGCCGCACATGCTTCCACAGGACCGCTGCCAGCACCGACACCAGGAGGGCGTTGAACAC-3'
Protein context (NP_116195.2, residues 16-36): AAVLWKHVRL[Arg26Cys]EHAATLEEEL